The following is an entry in ClinVar:

NM_002354.3(EPCAM):c.785A>G (p.Gln262Arg)

Gene: EPCAM (epithelial cell adhesion molecule; plus strand). Cytogenetic location: 2p21.
Variant type: single nucleotide variant.
Coding change: c.785A>G on transcript NM_002354.3 (MANE Select); coding-DNA position 785, A replaced by G.
Protein change: p.Gln262Arg; replaces glutamine 262 with arginine.
Molecular consequence: missense variant.
Genome position (GRCh38, 1-based): chr2:47,379,896, A>G. VCF-style: chr2-47379896-A-G. GRCh37 (hg19) VCF-style: chr2-47607035-A-G.
Other names: short protein forms Q262R.
Identifiers: ClinVar variation 1760910 (VCV001760910.3), dbSNP rs1173203047, ClinGen allele CA346724774.

ClinVar aggregate classification (germline): Uncertain significance (1 of 4 stars; one submission).

Conditions:
Hereditary cancer-predisposing syndrome. Also called: Neoplastic Syndromes, Hereditary; Tumor predisposition; Hereditary Cancer Syndrome; Hereditary neoplastic syndrome. Identifiers: Orphanet 140162, MedGen C0027672, MeSH D009386, MONDO:0015356.

Allele frequency attached by ClinVar (database versions not stated): gnomAD exomes below 0.00001; gnomAD 0.00001; TOPMed 0.00003.

Submission:

Ambry Genetics
Classification: Uncertain significance for Hereditary cancer-predisposing syndrome. Last evaluated: 2024-06-02. Review status: criteria provided, single submitter. Criteria: Ambry Variant Classification Scheme 2023. Collection method: clinical testing. Allele origin: germline.
Comment: The p.Q262R variant (also known as c.785A>G), located in coding exon 7 of the EPCAM gene, results from an A to G substitution at nucleotide position 785. The glutamine at codon 262 is replaced by arginine, an amino acid with highly similar properties. This amino acid position is conserved. In addition, this alteration is predicted to be tolerated by in silico analysis. Since supporting evidence is limited at this time, the clinical significance of this alteration remains unclear.